The following is an entry in ClinVar:

ClinVar aggregate classification (germline): Pathogenic. Review status: criteria provided, multiple submitters, no conflicts (2 of 4 stars). 6 submissions from 5 submitters: Pathogenic (4). 2 of the submissions do not count toward it. Last evaluated 2025-03-04.

Conditions:
Thrombocytopenia 1. Also called: THROMBOCYTOPENIA, X-LINKED, 1; X-Linked Thrombocytopenia (XLT); X-linked thrombocytopenia with normal platelets. Identifiers: Orphanet 268322, Orphanet 852, MedGen C1839163, MONDO:0010743, OMIM 313900.
Wiskott-Aldrich syndrome (WAS). Also called: ALDRICH SYNDROME; IMMUNODEFICIENCY 2; WISKOTT-ALDRICH SYNDROME 1; Wiskott-aldrich syndrome, somatic. Identifiers: Orphanet 906, MedGen C0043194, MONDO:0010518, OMIM 301000.
X-linked severe congenital neutropenia (SCNX). Identifiers: Orphanet 86788, MedGen C1845987, MONDO:0010294, OMIM 300299.

Submissions (6):

Center for Genomic Medicine, Rigshospitalet, Copenhagen University Hospital
Classification: Pathogenic. Last evaluated: 2025-03-04. Review status: criteria provided, single submitter. Criteria: ACMG Guidelines, 2015. Collection method: clinical testing. Allele origin: germline.

Labcorp Genetics (formerly Invitae), Labcorp
Classification: Pathogenic for Wiskott-Aldrich syndrome; X-linked severe congenital neutropenia; Thrombocytopenia 1. Last evaluated: 2023-05-05. Review status: criteria provided, single submitter. Criteria: Invitae Variant Classification Sherloc (09022015). Collection method: clinical testing. Allele origin: germline.
Comment: For these reasons, this variant has been classified as Pathogenic. Experimental studies are conflicting or provide insufficient evidence to determine the effect of this variant on WAS function (PMID: 19817875). Advanced modeling of protein sequence and biophysical properties (such as structural, functional, and spatial information, amino acid conservation, physicochemical variation, residue mobility, and thermodynamic stability) has been performed at Invitae for this missense variant, however the output from this modeling did not meet the statistical confidence thresholds required to predict the impact of this variant on WAS protein function. ClinVar contains an entry for this variant (Variation ID: 11116). This variant is also known as 201C>T. This missense change has been observed in individual(s) with Wiskott-Aldrich syndrome or X-linked thrombocytopenia (PMID: 12969986, 15284122, 25091438). This variant is not present in population databases (gnomAD no frequency). This sequence change replaces alanine, which is neutral and non-polar, with valine, which is neutral and non-polar, at codon 56 of the WAS protein (p.Ala56Val).

GeneDx
Classification: Pathogenic. Last evaluated: 2019-06-24. Review status: criteria provided, single submitter. Criteria: GeneDx Variant Classification Process June 2021. Collection method: clinical testing. Allele origin: germline. Affected: yes.
Comment: Published functional studies demonstrated that no protein was present (Wu et al., 2015); Not observed in large population cohorts (Lek et al., 2016); In silico analysis, which includes protein predictors and evolutionary conservation, supports a deleterious effect; This variant is associated with the following publications: (PMID: 20173115, 25091438, 9713366, 7795648, 19817875)

ISTH-SSC Genomics in Thrombosis and Hemostasis, KU Leuven, Center for Molecular and Vascular Biology
Classification: Pathogenic for Thrombocytopenia 1. Review status: criteria provided, single submitter. Criteria: ACMG Guidelines, 2015. Collection method: clinical testing. Allele origin: germline. Affected: yes. Observed: 1 hemizygote.
Comment: Submitted to GoldVariant by Jose María Bastida and José Rivera; Grupo Español de Alteraciones Plaquetarias Congénitas (GEAPC)

OMIM
Classification: Pathogenic for THROMBOCYTOPENIA, X-LINKED, 1. Last evaluated: 1995-04-01. Review status: no assertion criteria provided. Collection method: literature only. Allele origin: germline. Not counted in ClinVar's aggregate classification.

ISTH-SSC Genomics in Thrombosis and Hemostasis, KU Leuven, Center for Molecular and Vascular Biology
Classification: Likely pathogenic for Wiskott-Aldrich syndrome. Review status: no assertion criteria provided. Collection method: research. Allele origin: unknown. Affected: yes. Not counted in ClinVar's aggregate classification.
Comment: Submitted to GoldVariant by Dr Karyn Mégy from NIHR Bioresource - Cambridge University, UK

Literature cited by the submitters: PubMed 7795648 (cited by Center for Genomic Medicine, Rigshospitalet, Copenhagen University Hospital and OMIM); PubMed 9713366 (cited by Center for Genomic Medicine, Rigshospitalet, Copenhagen University Hospital); PubMed 25091438 (cited by Center for Genomic Medicine, Rigshospitalet, Copenhagen University Hospital and Labcorp Genetics (formerly Invitae), Labcorp); PubMed 19817875 (cited by Labcorp Genetics (formerly Invitae), Labcorp); PubMed 12969986 (cited by Labcorp Genetics (formerly Invitae), Labcorp); PubMed 15284122 (cited by Labcorp Genetics (formerly Invitae), Labcorp).

NM_000377.3(WAS):c.167C>T (p.Ala56Val)

Gene: WAS (WASP actin nucleation promoting factor; plus strand). Cytogenetic location: Xp11.23.
Variant type: single nucleotide variant.
Coding change: c.167C>T on transcript NM_000377.3 (MANE Select); coding-DNA position 167, C replaced by T.
Protein change: p.Ala56Val; replaces alanine 56 with valine.
Molecular consequence: missense variant.
Genome position (GRCh38, 1-based): chrX:48,684,317, C>T. VCF-style: chrX-48684317-C-T. GRCh37 (hg19) VCF-style: chrX-48542706-C-T.
Other names: short protein forms A56V.
Identifiers: ClinVar variation 11116 (VCV000011116.11), dbSNP rs132630269, ClinGen allele CA255723.